The following is an entry in ClinVar:

NM_014365.3(HSPB8):c.413A>C (p.Asn138Thr)

Gene: HSPB8 (heat shock protein family B (small) member 8; plus strand). Cytogenetic location: 12q24.23.
Variant type: single nucleotide variant.
Coding change: c.413A>C on transcript NM_014365.3 (MANE Select); coding-DNA position 413, A replaced by C.
Protein change: p.Asn138Thr; replaces asparagine 138 with threonine.
Molecular consequence: missense variant.
Genome position (GRCh38, 1-based): chr12:119,187,070, A>C. VCF-style: chr12-119187070-A-C. GRCh37 (hg19) VCF-style: chr12-119624875-A-C.
Other names: short protein forms N138T.
Identifiers: ClinVar variation 560411 (VCV000560411.1), dbSNP rs1565929080, ClinGen allele CA386529514.

ClinVar aggregate classification (germline): Likely pathogenic (1 of 4 stars; one submission).

Conditions:
Neuronopathy, distal hereditary motor, type 2A. Also called: HMN IIA; NEURONOPATHY, DISTAL HEREDITARY MOTOR, AUTOSOMAL DOMINANT 2; NEURONOPATHY, DISTAL HEREDITARY MOTOR, HARDING TYPE IIA; NEUROPATHY, DISTAL HEREDITARY MOTOR, HARDING TYPE IIA; SPINAL MUSCULAR ATROPHY, DISTAL, ADULT, AUTOSOMAL DOMINANT, HARDING TYPE IIA; CHARCOT-MARIE-TOOTH DISEASE, SPINAL, IIA. Identifiers: Orphanet 139525, MedGen C1834692, MONDO:0008025, OMIM 158590.

Submission:

Biochimie - Maladies Neurologiques Hereditaires, Hospices Civils de Lyon
Classification: Likely pathogenic for Neuronopathy, distal hereditary motor, type 2A. Last evaluated: 2017-02-02. Review status: criteria provided, single submitter. Criteria: ACMG Guidelines, 2015. Collection method: clinical testing. Allele origin: inherited. Affected: yes.
Comment: Article ID: HUMU23189